The following is an entry in ClinVar:

NM_000219.6(KCNE1):c.317G>T (p.Cys106Phe)

Gene: KCNE1 (potassium voltage-gated channel subfamily E regulatory subunit 1; minus strand). Cytogenetic location: 21q22.12.
Variant type: single nucleotide variant.
Coding change: c.317G>T on transcript NM_000219.6 (MANE Select); coding-DNA position 317, G replaced by T.
Protein change: p.Cys106Phe; replaces cysteine 106 with phenylalanine.
Molecular consequence: missense variant.
Genome position (GRCh38, 1-based): chr21:34,449,318, C>A on the plus strand (G>T on the coding strand, the complement: KCNE1 is on the minus strand). VCF-style: chr21-34449318-C-A. GRCh37 (hg19) VCF-style: chr21-35821616-C-A.
Other names: c.317G>T, p.Cys106Phe (NM_001127668.4, NM_001127669.4, NM_001127670.4 and 4 more transcripts); short protein forms C106F.
Identifiers: ClinVar variation 3374621 (VCV003374621.2).
Genomic context (GRCh38, chr21:34,449,318, plus strand): 5'-TTCGTCTCAGGAAGGTGTGTGTTGGGTTGTTCTATGGCCAGATGGTTTTCAACGACATAG[C>A]ACGACCTGTAGCTCTCCAGGACCCGGGCCTGGACATAGGCCTTGTCCTTCTCTTGCCAGG-3'
Protein context (NP_000210.2, residues 96-116): QARVLESYRS[Cys106Phe]YVVENHLAIE

Conditions:
Long QT syndrome 5 (LQT5). Identifiers: Orphanet 101016, Orphanet 768, MedGen C1867904, MONDO:0013372, OMIM 613695.

Submission:

Roden Lab, Vanderbilt University Medical Center
No classification provided (evidence only). Condition: Long QT syndrome 5. Review status: no classification provided. Collection method: in vitro. Allele origin: not applicable. Functional consequence: Effect on ion channel function.
ClinVar note: "not provided" was previously submitted as the classification for the variant. However, the classification appeared to be based only on an observation of functional data so it was converted to no classification on 2025-07-30.